The following is an entry in ClinVar:

ClinVar aggregate classification (germline): Benign. Review status: criteria provided, multiple submitters, no conflicts (2 of 4 stars). 6 submissions from 5 submitters: Benign (6). Last evaluated 2026-02-01.

Conditions:
Metaphyseal chondrodysplasia, Jansen type. Also called: Metaphyseal chondrodysplasia Murk Jansen type; PTH1R-Related Jansen Metaphyseal Chondrodysplasia. Identifiers: Orphanet 33067, MedGen C0265295, MONDO:0007982, OMIM 156400.
Chondrodysplasia Blomstrand type (BOCD). Identifiers: Orphanet 50945, MedGen C1859148, MONDO:0008970, OMIM 215045.

Allele frequency attached by ClinVar (database versions not stated): gnomAD exomes 0.02142 and 0.02190; ExAC 0.02211; 1000 Genomes Project 30x 0.02295; 1000 Genomes Project 0.02356; gnomAD 0.02907 and 0.02990; TOPMed 0.03180; ESP Exome Variant Server 0.03460.
gnomAD v4.1: 36,636 of 1,612,496 alleles (2.3%); highest among the groups gnomAD compares: Middle Eastern, 5.5%; 507 homozygotes.

Submissions (6):

Labcorp Genetics (formerly Invitae), Labcorp
Classification: Benign. Last evaluated: 2026-02-01. Review status: criteria provided, single submitter. Criteria: Invitae Variant Classification Sherloc (09022015). Collection method: clinical testing. Allele origin: germline.

ARUP Laboratories, Molecular Genetics and Genomics, ARUP Laboratories
Classification: Benign. Last evaluated: 2025-05-23. Review status: criteria provided, single submitter. Criteria: ARUP Molecular Germline Variant Investigation Process 2024. Collection method: clinical testing. Allele origin: germline.

GeneDx
Classification: Benign. Last evaluated: 2019-01-16. Review status: criteria provided, single submitter. Criteria: GeneDx Variant Classification Process June 2021. Collection method: clinical testing. Allele origin: germline. Affected: yes.

Illumina Laboratory Services, Illumina
Classification: Benign for Metaphyseal chondrodysplasia, Jansen type. Last evaluated: 2018-01-12. Review status: criteria provided, single submitter. Criteria: ICSL Variant Classification Criteria 13 December 2019. Collection method: clinical testing. Allele origin: germline.
Comment: This variant was observed in the ICSL laboratory as part of a predisposition screen in an ostensibly healthy population. It had not been previously curated by ICSL or reported in the Human Gene Mutation Database (HGMD: prior to June 1st, 2018), and was therefore a candidate for classification through an automated scoring system. Utilizing variant allele frequency, disease prevalence and penetrance estimates, and inheritance mode, an automated score was calculated to assess if this variant is too frequent to cause the disease. Based on the score and internal cut-off values, a variant classified as benign is not then subjected to further curation. The score for this variant resulted in a classification of benign for this disease.

Illumina Laboratory Services, Illumina
Classification: Benign for Chondrodysplasia Blomstrand type. Last evaluated: 2018-01-12. Review status: criteria provided, single submitter. Criteria: ICSL Variant Classification Criteria 13 December 2019. Collection method: clinical testing. Allele origin: germline.
Comment: the same text as in the submission from Illumina Laboratory Services, Illumina above.

Breakthrough Genomics
Classification: Benign. Review status: criteria provided, single submitter. Criteria: ACMG Guidelines, 2015. Collection method: not provided. Allele origin: germline. Inheritance: Autosomal recessive inheritance. Affected: yes.

NM_000316.3(PTH1R):c.543+14T>C

Gene: PTH1R (parathyroid hormone 1 receptor; plus strand). Cytogenetic location: 3p21.31.
Variant type: single nucleotide variant.
Coding change: c.543+14T>C on transcript NM_000316.3 (MANE Select); 14 bases into the intron after coding-DNA position 543, T replaced by C.
Molecular consequence: intron variant.
Genome position (GRCh38, 1-based): chr3:46,898,206, T>C. VCF-style: chr3-46898206-T-C. GRCh37 (hg19) VCF-style: chr3-46939696-T-C.
Other names: c.543+14T>C (NM_001184744.1).
Identifiers: ClinVar variation 345589 (VCV000345589.28), dbSNP rs114449768, ClinGen allele CA2359212.